The following is an entry in ClinVar:

NM_001363118.2(SLC52A2):c.146C>T (p.Ser49Phe)

Gene: SLC52A2 (solute carrier family 52 member 2; plus strand). Cytogenetic location: 8q24.3.
Variant type: single nucleotide variant.
Coding change: c.146C>T on transcript NM_001363118.2 (MANE Select); coding-DNA position 146, C replaced by T.
Protein change: p.Ser49Phe; replaces serine 49 with phenylalanine.
Molecular consequence: missense variant. On other transcripts: non-coding transcript variant (1), intron variant (1).
Genome position (GRCh38, 1-based): chr8:144,359,638, C>T. VCF-style: chr8-144359638-C-T. GRCh37 (hg19) VCF-style: chr8-145583298-C-T.
Other names: c.146C>T, p.Ser49Phe (NM_001253815.2, NM_001253816.2, NM_001363120.2 and 2 more transcripts); c.-119C>T (NM_001410949.1); c.130+215C>T (NM_001363122.2); short protein forms S49F.
Identifiers: ClinVar variation 1773329 (VCV001773329.2), dbSNP rs2489038216, ClinGen allele CA372626177.

ClinVar aggregate classification (germline): Uncertain significance (1 of 4 stars; one submission).

Conditions:
Inborn genetic diseases. Identifiers: MedGen C0950123, MeSH D030342.

gnomAD v4.1: 1 of 1,613,406 alleles (0.000062%); highest among the groups gnomAD compares: Non-Finnish European, 0.000085%; no homozygotes.

Submission:

Ambry Genetics
Classification: Uncertain significance for Inborn genetic diseases. Last evaluated: 2022-05-12. Review status: criteria provided, single submitter. Criteria: Ambry Variant Classification Scheme 2023. Collection method: clinical testing. Allele origin: germline.
Comment: The p.S49F variant (also known as c.146C>T), located in coding exon 2 of the SLC52A2 gene, results from a C to T substitution at nucleotide position 146. The serine at codon 49 is replaced by phenylalanine, an amino acid with highly dissimilar properties. This amino acid position is conserved. In addition, the in silico prediction for this alteration is inconclusive. Since supporting evidence is limited at this time, the clinical significance of this alteration remains unclear.